The following is an entry in ClinVar:

ClinVar aggregate classification (germline): Conflicting classifications of pathogenicity. Review status: criteria provided, conflicting classifications (1 of 4 stars). 4 submissions from 4 submitters: Likely pathogenic (1); Uncertain significance (2). 1 of the submissions does not count toward it. Last evaluated 2026-04-27.

Conditions:
Disseminated atypical mycobacterial infection. Identifiers: MedGen C0694566.
Immunodeficiency 27A (IMD27A). Also called: IMMUNODEFICIENCY 27A, MYCOBACTERIOSIS, AUTOSOMAL RECESSIVE; IFNGR1 DEFICIENCY, AUTOSOMAL RECESSIVE. Identifiers: Orphanet 319569, Orphanet 99898, MedGen C4011949, MONDO:0008856, OMIM 209950.

Submissions (4):

Dasa
Classification: Likely pathogenic. Last evaluated: 2026-04-27. Review status: criteria provided, single submitter. Criteria: DASA Assertion Criteria. Collection method: clinical testing. Allele origin: germline.
Comment: NM_000416.3(IFNGR1):c.653_655del (p.Glu218del) is an in-frame deletion predicted to remove glutamic acid at protein position 218 without shifting the reading frame. This variant has been recurrently observed in individuals with IFNGR1-related disorders (PMID: 26173802; PMID: 10811850). Also, this variant is rare in population databases. Based on the currently available evidence, this variant is classified as likely pathogenic.

Labcorp Genetics (formerly Invitae), Labcorp
Classification: Uncertain significance for Disseminated atypical mycobacterial infection. Last evaluated: 2025-10-27. Review status: criteria provided, single submitter. Criteria: Invitae Variant Classification Sherloc (09022015). Collection method: clinical testing. Allele origin: germline.
Comment: This variant, c.653_655del, results in the deletion of 1 amino acid(s) of the IFNGR1 protein (p.Glu218del), but otherwise preserves the integrity of the reading frame. This variant is present in population databases (rs587776858, gnomAD 0.003%). This variant has been observed in individual(s) with clinical features of autosomal recessive IFNGR1-related conditions (PMID: 10811850, 26173802, 33732252). In at least one individual the data is consistent with being in trans (on the opposite chromosome) from a pathogenic variant. This variant is also known as 652del3. ClinVar contains an entry for this variant (Variation ID: 17951). In summary, the available evidence is currently insufficient to determine the role of this variant in disease. Therefore, it has been classified as a Variant of Uncertain Significance.

3billion
Classification: Uncertain significance for Immunodeficiency 27A. Last evaluated: 2022-03-22. Review status: criteria provided, single submitter. Criteria: ACMG Guidelines, 2015. Collection method: clinical testing. Allele origin: germline. Affected: yes. Observed: 1 homozygote.
Comment: Inframe deletion located in a nonrepeat region: predicted to change the length of the protein and disrupt normal protein function(PM4_M). This variant has been reported as pathogenic (PMID:10811850). The variant is observed at an extremely low frequency in the gnomAD v2.1.1 dataset (total allele frequency: 0.0000040). Therefore, this variant is classified as uncertain significance according to the recommendation of ACMG/AMP guideline.

OMIM
Classification: Pathogenic for IMMUNODEFICIENCY 27A. Last evaluated: 2000-05-01. Review status: no assertion criteria provided. Collection method: literature only. Allele origin: germline. Not counted in ClinVar's aggregate classification.

Literature cited by the submitters: PubMed 26173802 (cited by Dasa and Labcorp Genetics (formerly Invitae), Labcorp); PubMed 10811850 (cited by 4 submitters); PubMed 33732252 (cited by Labcorp Genetics (formerly Invitae), Labcorp).

NM_000416.3(IFNGR1):c.653_655del (p.Glu218del)

Gene: IFNGR1 (interferon gamma receptor 1; minus strand). Cytogenetic location: 6q23.3.
Variant type: Deletion.
Coding change: c.653_655del on transcript NM_000416.3 (MANE Select); coding-DNA positions 653 to 655, 3 bases deleted (AAG; older notation c.653_655delAAG).
Protein change: p.Glu218del; deletes glutamic acid 218.
Molecular consequence: inframe deletion.
Genome position (GRCh38, 1-based): chr6:137,203,577-137,203,579, CTT deleted on the plus strand (AAG on the coding strand, the reverse complement: IFNGR1 is on the minus strand); deleting any 3 consecutive bases within chr6:137,203,577-137,203,581 gives the same sequence; the c. name uses the placement nearest the transcript's 3' end. VCF-style (leftmost placement, unchanged base first): chr6-137203576-CCTT-C. GRCh37 (hg19) VCF-style: chr6-137524713-CCTT-C.
Other names: c.653_655delAAG (NM_000416.2); c.623_625del, p.Glu208del (NM_001363526.1); c.530_532del, p.Glu177del (NM_001363527.1); short protein forms E218del, E208del, E177del.
Identifiers: ClinVar variation 17951 (VCV000017951.12), dbSNP rs587776858, ClinGen allele CA127612.